The following is an entry in ClinVar:

ClinVar aggregate classification (germline): Uncertain significance (1 of 4 stars; one submission).

gnomAD v4.1: 1 of 1,613,280 alleles (0.000062%); highest among the groups gnomAD compares: Non-Finnish European, 0.000085%; no homozygotes.

Submission:

GeneDx
Classification: Uncertain significance. Last evaluated: 2024-02-26. Review status: criteria provided, single submitter. Criteria: GeneDx Variant Classification Process June 2021. Collection method: clinical testing. Allele origin: germline. Affected: yes.
Comment: Not observed at significant frequency in large population cohorts (gnomAD); In silico analysis supports that this missense variant does not alter protein structure/function; Has not been previously published as pathogenic or benign to our knowledge

NM_014991.6(WDFY3):c.9901C>G (p.Pro3301Ala)

Gene: WDFY3 (WD repeat and FYVE domain containing 3; minus strand). Cytogenetic location: 4q21.23.
Variant type: single nucleotide variant.
Coding change: c.9901C>G on transcript NM_014991.6 (MANE Select); coding-DNA position 9901, C replaced by G.
Protein change: p.Pro3301Ala; replaces proline 3301 with alanine.
Molecular consequence: missense variant.
Genome position (GRCh38, 1-based): chr4:84,679,165, G>C on the plus strand (C>G on the coding strand, the complement: WDFY3 is on the minus strand). VCF-style: chr4-84679165-G-C. GRCh37 (hg19) VCF-style: chr4-85600318-G-C.
Other names: short protein forms P3301A.
Identifiers: ClinVar variation 3369762 (VCV003369762.1).
Genomic context (GRCh38, chr4:84,679,165, plus strand): 5'-CGGCTGTTGCGCGGCAGGAGGCTGCCCGGGGCCTGTGGCTGGTGCTGCTGGGTTGGCTTG[G>C]AGTGTCCTTAGGGTCCTGGCTGATGCTCTGCTCATCTGCTTCTGAATCACTGCTGTCCTC-3'
Protein context (NP_055806.2, residues 3291-3311): QSISQDPKDT[Pro3301Ala]SQPSSTSHRP